The following is an entry in ClinVar:

ClinVar aggregate classification (germline): Uncertain significance (1 of 4 stars; one submission).

Conditions:
Cardiomyopathy (CMYO). Also called: Cardiomyopathies. Identifiers: Orphanet 167848, MedGen C0878544, MONDO:0004994, HP:0001638. Inheritance: Various modes of inheritance.

Submission:

Color Diagnostics, LLC DBA Color Health
Classification: Uncertain significance for Cardiomyopathy. Last evaluated: 2025-06-09. Review status: criteria provided, single submitter. Criteria: ACMG Guidelines, 2015. Collection method: clinical testing. Allele origin: germline.
Comment: This missense variant replaces histidine with proline at codon 868 of the DSG2 protein. Computational prediction suggests that this variant may not impact protein structure and function. To our knowledge, functional studies have not been reported for this variant. This variant has not been reported in individuals affected with DSG2-related disorders in the literature. This variant has not been identified in the general population by the Genome Aggregation Database (gnomAD). The available evidence is insufficient to determine the role of this variant in disease conclusively. Therefore, this variant is classified as a Variant of Uncertain Significance.

NM_001943.5(DSG2):c.2603A>C (p.His868Pro)

Genes: DSG2-AS1 (DSG2 antisense RNA 1; minus strand), DSG2 (desmoglein 2; plus strand). Cytogenetic location: 18q12.1.
Variant type: single nucleotide variant.
Coding change: c.2603A>C on transcript NM_001943.5 (MANE Select); coding-DNA position 2603, A replaced by C.
Protein change: p.His868Pro; replaces histidine 868 with proline.
Molecular consequence: missense variant.
Genome position (GRCh38, 1-based): chr18:31,545,989, A>C. VCF-style: chr18-31545989-A-C. GRCh37 (hg19) VCF-style: chr18-29125952-A-C.
Other names: short protein forms H868P.
Identifiers: ClinVar variation 4757011 (VCV004757011.1).